The following is an entry in ClinVar:

NM_013339.4(ALG6):c.712G>A (p.Val238Ile)

Gene: ALG6 (ALG6 alpha-1,3-glucosyltransferase; plus strand). Cytogenetic location: 1p31.3.
Variant type: single nucleotide variant.
Coding change: c.712G>A on transcript NM_013339.4 (MANE Select); coding-DNA position 712, G replaced by A.
Protein change: p.Val238Ile; replaces valine 238 with isoleucine.
Molecular consequence: missense variant.
Genome position (GRCh38, 1-based): chr1:63,411,957, G>A. VCF-style: chr1-63411957-G-A. GRCh37 (hg19) VCF-style: chr1-63877628-G-A.
Other names: short protein forms V238I.
Identifiers: ClinVar variation 2169240 (VCV002169240.1), dbSNP rs769947380, ClinGen allele CA888241.

ClinVar aggregate classification (germline): Uncertain significance (1 of 4 stars; one submission).

Conditions:
ALG6-congenital disorder of glycosylation 1C (CDG1C). Also called: CDG Ic; CARBOHYDRATE-DEFICIENT GLYCOPROTEIN SYNDROME, TYPE I, WITH DEFICIENT GLYCOSYLATION OF DOLICHOL-LINKED OLIGOSACCHARIDE; CARBOHYDRATE-DEFICIENT GLYCOPROTEIN SYNDROME, TYPE V; Congenital disorder of glycosylation type 1C; Congenital disorder of glycosylation, type Ic. Identifiers: Orphanet 79320, MedGen C2930997, MONDO:0011291, OMIM 603147.

Allele frequency attached by ClinVar (database versions not stated): gnomAD 0.00001; gnomAD exomes 0.00002; TOPMed 0.00003; ExAC 0.00007.
gnomAD v4.1: 26 of 1,613,930 alleles (0.0016%); highest among the groups gnomAD compares: Admixed American, 0.042%; no homozygotes.

Submission:

Labcorp Genetics (formerly Invitae), Labcorp
Classification: Uncertain significance for ALG6-congenital disorder of glycosylation 1C. Last evaluated: 2022-08-03. Review status: criteria provided, single submitter. Criteria: Invitae Variant Classification Sherloc (09022015). Collection method: clinical testing. Allele origin: germline.
Comment: This sequence change replaces valine, which is neutral and non-polar, with isoleucine, which is neutral and non-polar, at codon 238 of the ALG6 protein (p.Val238Ile). This variant is present in population databases (rs769947380, gnomAD 0.06%). This variant has not been reported in the literature in individuals affected with ALG6-related conditions. Algorithms developed to predict the effect of missense changes on protein structure and function are either unavailable or do not agree on the potential impact of this missense change (SIFT: "Tolerated"; PolyPhen-2: "Probably Damaging"; Align-GVGD: "Class C0"). In summary, the available evidence is currently insufficient to determine the role of this variant in disease. Therefore, it has been classified as a Variant of Uncertain Significance.